The following is an entry in ClinVar:

ClinVar aggregate classification (germline): Uncertain significance (1 of 4 stars; one submission).

gnomAD v4.1: 1 of 1,560,556 alleles (0.000064%); highest among the groups gnomAD compares: East Asian, 0.0022%; no homozygotes.

Submission:

Labcorp Genetics (formerly Invitae), Labcorp
Classification: Uncertain significance. Last evaluated: 2026-01-08. Review status: criteria provided, single submitter. Criteria: Invitae Variant Classification Sherloc (09022015). Collection method: clinical testing. Allele origin: germline.
Comment: This sequence change replaces glycine, which is neutral and non-polar, with arginine, which is basic and polar, at codon 470 of the COL10A1 protein (p.Gly470Arg). This variant is not present in population databases (gnomAD no frequency). This variant has not been reported in the literature in individuals affected with COL10A1-related conditions. Invitae Evidence Modeling of protein sequence and biophysical properties (such as structural, functional, and spatial information, amino acid conservation, physicochemical variation, residue mobility, and thermodynamic stability) has been performed for this missense variant. However, the output from this modeling did not meet the statistical confidence thresholds required to predict the impact of this variant on COL10A1 protein function. In summary, the available evidence is currently insufficient to determine the role of this variant in disease. Therefore, it has been classified as a Variant of Uncertain Significance.

NM_000493.4(COL10A1):c.1408G>C (p.Gly470Arg)

Genes: COL10A1 (collagen type X alpha 1 chain; minus strand), NT5DC1 (5'-nucleotidase domain containing 1; plus strand). Cytogenetic location: 6q22.1.
Variant type: single nucleotide variant.
Coding change: c.1408G>C on transcript NM_000493.4 (MANE Select); coding-DNA position 1408, G replaced by C.
Protein change: p.Gly470Arg; replaces glycine 470 with arginine.
Molecular consequence: missense variant. On other transcripts: intron variant (1).
Genome position (GRCh38, 1-based): chr6:116,120,708, C>G on the plus strand (G>C on the coding strand, the complement: COL10A1 is on the minus strand). VCF-style: chr6-116120708-C-G. GRCh37 (hg19) VCF-style: chr6-116441871-C-G.
Other names: c.1408G>C, p.Gly470Arg (NM_001424106.1, NM_001424107.1); c.529+2763C>G (NM_152729.3); short protein forms G470R.
Identifiers: ClinVar variation 4717058 (VCV004717058.1).